The following is an entry in ClinVar:

NM_020774.4(MIB1):c.2347C>T (p.Pro783Ser)

Gene: MIB1 (MIB E3 ubiquitin protein ligase 1; plus strand). Cytogenetic location: 18q11.2.
Variant type: single nucleotide variant.
Coding change: c.2347C>T on transcript NM_020774.4 (MANE Select); coding-DNA position 2347, C replaced by T.
Protein change: p.Pro783Ser; replaces proline 783 with serine.
Molecular consequence: missense variant.
Genome position (GRCh38, 1-based): chr18:21,847,079, C>T. VCF-style: chr18-21847079-C-T. GRCh37 (hg19) VCF-style: chr18-19427040-C-T.
Other names: short protein forms P783S.
Identifiers: ClinVar variation 3294693 (VCV003294693.1).

ClinVar aggregate classification (germline): Uncertain significance (1 of 4 stars; one submission).

Conditions:
Inborn genetic diseases. Identifiers: MedGen C0950123, MeSH D030342.

gnomAD v4.1: 7 of 1,614,102 alleles (0.00043%); highest among the groups gnomAD compares: Non-Finnish European, 0.00051%; no homozygotes.

Submission:

Ambry Genetics
Classification: Uncertain significance for Inborn genetic diseases. Last evaluated: 2024-03-16. Review status: criteria provided, single submitter. Criteria: Ambry Variant Classification Scheme 2023. Collection method: clinical testing. Allele origin: germline.
Comment: The p.P783S variant (also known as c.2347C>T), located in coding exon 16 of the MIB1 gene, results from a C to T substitution at nucleotide position 2347. The proline at codon 783 is replaced by serine, an amino acid with similar properties. This amino acid position is conserved. In addition, the in silico prediction for this alteration is inconclusive. Based on the available evidence, the clinical significance of this alteration remains unclear.